The following is an entry in ClinVar:

NM_000059.4(BRCA2):c.7779A>T (p.Gly2593=)

Gene: BRCA2 (BRCA2 DNA repair associated; plus strand). Cytogenetic location: 13q13.1.
Variant type: single nucleotide variant.
Coding change: c.7779A>T on transcript NM_000059.4 (MANE Select); coding-DNA position 7779, A replaced by T.
Protein change: p.Gly2593=; no amino-acid change (glycine 2593 retained).
Molecular consequence: synonymous variant.
Genome position (GRCh38, 1-based): chr13:32,357,903, A>T. VCF-style: chr13-32357903-A-T. GRCh37 (hg19) VCF-style: chr13-32932040-A-T.
Other names: c.7779A>T (NM_000059.3).
Identifiers: ClinVar variation 1025208 (VCV001025208.11), dbSNP rs2072711254, ClinGen allele CA483439285.

ClinVar aggregate classification (germline): Uncertain significance. Review status: criteria provided, multiple submitters, no conflicts (2 of 4 stars). 2 submissions from 2 submitters: Uncertain significance (2). Last evaluated 2023-09-07.

Conditions:
Hereditary cancer-predisposing syndrome. Also called: Neoplastic Syndromes, Hereditary; Tumor predisposition; Hereditary Cancer Syndrome; Hereditary neoplastic syndrome. Identifiers: Orphanet 140162, MedGen C0027672, MeSH D009386, MONDO:0015356.
Hereditary breast ovarian cancer syndrome. Also called: Hereditary breast and ovarian cancer; Hereditary breast and ovarian cancer syndrome (HBOC); Hereditary breast and ovarian cancer syndrome; BRCA1- and BRCA2-Associated Hereditary Breast and Ovarian Cancer; Hereditary breast and/or ovarian cancer syndrome; Breast and ovarian cancer. Identifiers: Orphanet 145, MedGen C0677776, MeSH D061325, MONDO:0003582. Disease mechanism: loss of function.

Submissions (2):

Ambry Genetics
Classification: Uncertain significance for Hereditary cancer-predisposing syndrome. Last evaluated: 2023-09-07. Review status: criteria provided, single submitter. Criteria: Ambry Variant Classification Scheme 2023. Collection method: clinical testing. Allele origin: germline.
Comment: The c.7779A>T variant (also known as p.G2593G), located in coding exon 15 of the BRCA2 gene, results from an A to T substitution at nucleotide position 7779. This nucleotide substitution does not change the glycine at codon 2593. This nucleotide position is not well conserved in available vertebrate species. In silico splice site analysis predicts that this alteration will weaken the native splice donor site and will result in the creation or strengthening of a novel splice donor site. Since supporting evidence is limited at this time, the clinical significance of this alteration remains unclear.

Labcorp Genetics (formerly Invitae), Labcorp
Classification: Uncertain significance for Hereditary breast ovarian cancer syndrome. Last evaluated: 2023-08-04. Review status: criteria provided, single submitter. Criteria: Invitae Variant Classification Sherloc (09022015). Collection method: clinical testing. Allele origin: germline.
Comment: In summary, the available evidence is currently insufficient to determine the role of this variant in disease. Therefore, it has been classified as a Variant of Uncertain Significance. RNA analysis provides insufficient evidence to determine the effect of this variant on BRCA2 splicing (Invitae). ClinVar contains an entry for this variant (Variation ID: 1025208). This variant has not been reported in the literature in individuals affected with BRCA2-related conditions. This variant is not present in population databases (gnomAD no frequency). This sequence change affects codon 2593 of the BRCA2 mRNA. It is a 'silent' change, meaning that it does not change the encoded amino acid sequence of the BRCA2 protein.